The following is an entry in ClinVar:

ClinVar aggregate classification (germline): Pathogenic (1 of 4 stars; one submission).

Conditions:
Hereditary nonpolyposis colorectal neoplasms. Identifiers: MedGen C0009405, MeSH D003123.

Submission:

Labcorp Genetics (formerly Invitae), Labcorp
Classification: Pathogenic for Hereditary nonpolyposis colorectal neoplasms. Last evaluated: 2024-10-12. Review status: criteria provided, single submitter. Criteria: Invitae Variant Classification Sherloc (09022015). Collection method: clinical testing. Allele origin: germline.
Comment: This sequence change creates a premature translational stop signal (p.Ser353*) in the MSH6 gene. It is expected to result in an absent or disrupted protein product. Loss-of-function variants in MSH6 are known to be pathogenic (PMID: 18269114, 24362816). This variant is not present in population databases (gnomAD no frequency). This variant has not been reported in the literature in individuals affected with MSH6-related conditions. For these reasons, this variant has been classified as Pathogenic.

Literature cited by the submitters: PubMed 18269114; PubMed 24362816.

NM_000179.3(MSH6):c.1055_1056insC (p.Val352_Ser353insTer)

Gene: MSH6 (mutS homolog 6; plus strand). Cytogenetic location: 2p16.3.
Variant type: Insertion.
Coding change: c.1055_1056insC on transcript NM_000179.3 (MANE Select); coding-DNA positions 1055 to 1056, C inserted.
Protein change: p.Val352_Ser353insTer.
Molecular consequence: frameshift variant. On other transcripts: non-coding transcript variant (4), intron variant (1).
Genome position: GRCh38 VCF-style: chr2-47799038-T-TC. GRCh37 (hg19) VCF-style: chr2-48026177-T-TC.
Other names: c.1055_1056insC, p.Val352_Ser353insTer (NM_001406800.1, NM_001406803.1, NM_001406808.1 and 4 more transcripts); c.758_759insC, p.Val253_Ser254insTer (NM_001406801.1, NM_001406805.1, NM_001406818.1 and 10 more transcripts); c.1151_1152insC, p.Val384_Ser385insTer (NM_001406802.1, NM_001406795.1); c.977_978insC, p.Val326_Ser327insTer (NM_001406804.1); c.530_531insC, p.Val177_Ser178insTer (NM_001406806.1, NM_001406807.1, NM_001406799.1); c.149_150insC, p.Val50_Ser51insTer (NM_001406811.1, NM_001406812.1, NM_001406814.1 and 6 more transcripts); c.1061_1062insC, p.Val354_Ser355insTer (NM_001406813.1); c.887_888insC, p.Val296_Ser297insTer (NM_001406826.1); and 2 more.
Identifiers: ClinVar variation 3670237 (VCV003670237.2).